The following is an entry in ClinVar:

ClinVar aggregate classification (germline): Uncertain significance. Review status: criteria provided, multiple submitters, no conflicts (2 of 4 stars). 2 submissions from 2 submitters: Uncertain significance (2). Last evaluated 2025-10-08.

Conditions:
Inborn genetic diseases. Identifiers: MedGen C0950123, MeSH D030342.
T-cell immunodeficiency, congenital alopecia, and nail dystrophy. Also called: Congenital alopecia and nail dystrophy associated with severe functional T-cell immunodeficiency; Pignata Guarino syndrome. Identifiers: Orphanet 169095, MedGen C1866426, MONDO:0011132, OMIM 601705.

Allele frequency attached by ClinVar (database versions not stated): gnomAD exomes below 0.00001 and 0.00001; gnomAD 0.00001; TOPMed 0.00001.
gnomAD v4.1: 13 of 1,612,928 alleles (0.00081%); highest among the groups gnomAD compares: African/African-American, 0.0013%; no homozygotes.

Submissions (2):

Ambry Genetics
Classification: Uncertain significance for Inborn genetic diseases. Last evaluated: 2025-10-08. Review status: criteria provided, single submitter. Criteria: Ambry Variant Classification Scheme 2023. Collection method: clinical testing. Allele origin: germline.

Labcorp Genetics (formerly Invitae), Labcorp
Classification: Uncertain significance for T-cell immunodeficiency, congenital alopecia, and nail dystrophy. Last evaluated: 2021-08-31. Review status: criteria provided, single submitter. Criteria: Invitae Variant Classification Sherloc (09022015). Collection method: clinical testing. Allele origin: germline.
Comment: This sequence change replaces glutamic acid with aspartic acid at codon 622 of the FOXN1 protein (p.Glu622Asp). The glutamic acid residue is moderately conserved and there is a small physicochemical difference between glutamic acid and aspartic acid. This variant is present in population databases (rs774031845, ExAC 0.002%). This variant has not been reported in the literature in individuals affected with FOXN1-related conditions. Algorithms developed to predict the effect of missense changes on protein structure and function output the following: SIFT: "Tolerated"; PolyPhen-2: "Benign"; Align-GVGD: "Class C0". The aspartic acid amino acid residue is found in multiple mammalian species, which suggests that this missense change does not adversely affect protein function. In summary, the available evidence is currently insufficient to determine the role of this variant in disease. Therefore, it has been classified as a Variant of Uncertain Significance.

NM_001369369.1(FOXN1):c.1866G>T (p.Glu622Asp)

Gene: FOXN1 (forkhead box N1; plus strand). Cytogenetic location: 17q11.2.
Variant type: single nucleotide variant.
Coding change: c.1866G>T on transcript NM_001369369.1 (MANE Select); coding-DNA position 1866, G replaced by T.
Protein change: p.Glu622Asp; replaces glutamic acid 622 with aspartic acid.
Molecular consequence: missense variant.
Genome position (GRCh38, 1-based): chr17:28,537,355, G>T. VCF-style: chr17-28537355-G-T. GRCh37 (hg19) VCF-style: chr17-26864373-G-T.
Other names: c.1866G>T (NM_003593.2); c.1866G>T, p.Glu622Asp (NM_003593.3); short protein forms E622D.
Identifiers: ClinVar variation 999730 (VCV000999730.3), dbSNP rs774031845, ClinGen allele CA8459644.